The following is an entry in ClinVar:

NM_004612.4(TGFBR1):c.854A>T (p.His285Leu)

Gene: TGFBR1 (transforming growth factor beta receptor 1; plus strand). Cytogenetic location: 9q22.33.
Variant type: single nucleotide variant.
Coding change: c.854A>T on transcript NM_004612.4 (MANE Select); coding-DNA position 854, A replaced by T.
Protein change: p.His285Leu; replaces histidine 285 with leucine.
Molecular consequence: missense variant.
Genome position (GRCh38, 1-based): chr9:99,142,584, A>T. VCF-style: chr9-99142584-A-T. GRCh37 (hg19) VCF-style: chr9-101904866-A-T.
Other names: c.623A>T, p.His208Leu (NM_001130916.3); c.866A>T, p.His289Leu (NM_001306210.2); c.854A>T (NM_004612.2); short protein forms H208L, H285L, H289L.
Identifiers: ClinVar variation 923085 (VCV000923085.7), dbSNP rs1588590331, ClinGen allele CA374230595.

ClinVar aggregate classification (germline): Uncertain significance. Review status: criteria provided, multiple submitters, no conflicts (2 of 4 stars). 3 submissions from 3 submitters: Uncertain significance (3). Last evaluated 2025-10-13.

Conditions:
Familial thoracic aortic aneurysm and aortic dissection (TAAD). Also called: Thoracic aortic aneurysms and dissections. Identifiers: Orphanet 91387, MedGen C4707243, MONDO:0019625.

Submissions (3):

Labcorp Genetics (formerly Invitae), Labcorp
Classification: Uncertain significance for Familial thoracic aortic aneurysm and aortic dissection. Last evaluated: 2025-10-13. Review status: criteria provided, single submitter. Criteria: Invitae Variant Classification Sherloc (09022015). Collection method: clinical testing. Allele origin: germline.
Comment: This sequence change replaces histidine, which is basic and polar, with leucine, which is neutral and non-polar, at codon 285 of the TGFBR1 protein (p.His285Leu). This variant is not present in population databases (gnomAD no frequency). This variant has not been reported in the literature in individuals affected with TGFBR1-related conditions. ClinVar contains an entry for this variant (Variation ID: 923085). Invitae Evidence Modeling of protein sequence and biophysical properties (such as structural, functional, and spatial information, amino acid conservation, physicochemical variation, residue mobility, and thermodynamic stability) indicates that this missense variant is not expected to disrupt TGFBR1 protein function with a negative predictive value of 80%. In summary, the available evidence is currently insufficient to determine the role of this variant in disease. Therefore, it has been classified as a Variant of Uncertain Significance.

Ambry Genetics
Classification: Uncertain significance for Familial thoracic aortic aneurysm and aortic dissection. Last evaluated: 2025-05-15. Review status: criteria provided, single submitter. Criteria: Ambry Variant Classification Scheme 2023. Collection method: clinical testing. Allele origin: germline.
Comment: The p.H285L variant (also known as c.854A>T), located in coding exon 5 of the TGFBR1 gene, results from an A to T substitution at nucleotide position 854. The histidine at codon 285 is replaced by leucine, an amino acid with similar properties. This amino acid position is conserved. In addition, this alteration is predicted to be deleterious by in silico analysis. Based on the available evidence, the clinical significance of this variant remains unclear.

Color Diagnostics, LLC DBA Color Health
Classification: Uncertain significance for Familial thoracic aortic aneurysm and aortic dissection. Last evaluated: 2024-03-07. Review status: criteria provided, single submitter. Criteria: ACMG Guidelines, 2015. Collection method: clinical testing. Allele origin: germline.
Comment: This missense variant replaces histidine with leucine at codon 285 of the TGFBR1 protein. Computational prediction tool is inconclusive regarding the impact of this variant on protein structure and function (internally defined REVEL score threshold 0.5 < inconclusive < 0.7, PMID: 27666373). Splice site prediction tools suggest that this variant may not impact RNA splicing. To our knowledge, functional studies have not been performed for this variant. This variant has not been reported in individuals affected with cardiovascular disorders in the literature. This variant has not been identified in the general population by the Genome Aggregation Database (gnomAD). The available evidence is insufficient to determine the role of this variant in disease conclusively. Therefore, this variant is classified as a Variant of Uncertain Significance.